The following is an entry in ClinVar:

NM_001367624.2(ZNF469):c.6472G>T (p.Asp2158Tyr)

Gene: ZNF469 (zinc finger protein 469; plus strand). Cytogenetic location: 16q24.2.
Variant type: single nucleotide variant.
Coding change: c.6472G>T on transcript NM_001367624.2 (MANE Select); coding-DNA position 6472, G replaced by T.
Protein change: p.Asp2158Tyr; replaces aspartic acid 2158 with tyrosine.
Molecular consequence: missense variant.
Genome position (GRCh38, 1-based): chr16:88,433,942, G>T. VCF-style: chr16-88433942-G-T. GRCh37 (hg19) VCF-style: chr16-88500350-G-T.
Other names: short protein forms D2158Y.
Identifiers: ClinVar variation 3658930 (VCV003658930.2).

ClinVar aggregate classification (germline): Uncertain significance (1 of 4 stars; one submission).

gnomAD v4.1: 1 of 1,550,140 alleles (0.000065%); highest among the groups gnomAD compares: South Asian, 0.0012%; no homozygotes.

Submission:

Labcorp Genetics (formerly Invitae), Labcorp
Classification: Uncertain significance. Last evaluated: 2024-10-01. Review status: criteria provided, single submitter. Criteria: Invitae Variant Classification Sherloc (09022015). Collection method: clinical testing. Allele origin: germline.
Comment: This sequence change replaces aspartic acid, which is acidic and polar, with tyrosine, which is neutral and polar, at codon 2130 of the ZNF469 protein (p.Asp2130Tyr). This variant is present in population databases (rs766049010, gnomAD 0.004%). This variant has not been reported in the literature in individuals affected with ZNF469-related conditions. An algorithm developed to predict the effect of missense changes on protein structure and function (PolyPhen-2) suggests that this variant is likely to be disruptive. In summary, the available evidence is currently insufficient to determine the role of this variant in disease. Therefore, it has been classified as a Variant of Uncertain Significance.